The following is an entry in ClinVar:

NM_001042492.3(NF1):c.3375G>T (p.Ala1125=)

Gene: NF1 (neurofibromin 1; plus strand). Cytogenetic location: 17q11.2.
Variant type: single nucleotide variant.
Coding change: c.3375G>T on transcript NM_001042492.3 (MANE Select); coding-DNA position 3375, G replaced by T.
Protein change: p.Ala1125=; no amino-acid change (alanine 1125 retained).
Molecular consequence: synonymous variant.
Genome position (GRCh38, 1-based): chr17:31,232,760, G>T. VCF-style: chr17-31232760-G-T. GRCh37 (hg19) VCF-style: chr17-29559778-G-T.
Other names: c.3375G>T, p.Ala1125= (NM_000267.4).
Identifiers: ClinVar variation 184927 (VCV000184927.14), dbSNP rs112589561, ClinGen allele CA190495.

ClinVar aggregate classification (germline): Benign/Likely benign. Review status: criteria provided, multiple submitters, no conflicts (2 of 4 stars). 5 submissions from 5 submitters: Benign (1); Likely benign (4). Last evaluated 2026-09-29.

Conditions:
Neurofibromatosis, type 1 (NF1). Also called: VON RECKLINGHAUSEN DISEASE; NEUROFIBROMATOSIS, TYPE I, SOMATIC; Peripheral type neurofibromatosis; Neurofibromatosis, type I. Identifiers: Orphanet 636, MedGen C0027831, MONDO:0018975, OMIM 162200. Disease mechanism: loss of function.
Hereditary cancer-predisposing syndrome. Also called: Neoplastic Syndromes, Hereditary; Tumor predisposition; Hereditary Cancer Syndrome; Hereditary neoplastic syndrome. Identifiers: Orphanet 140162, MedGen C0027672, MeSH D009386, MONDO:0015356.

Allele frequency attached by ClinVar (database versions not stated): TOPMed below 0.00001.
gnomAD v4.1: 4 of 1,613,634 alleles (0.00025%); highest among the groups gnomAD compares: Non-Finnish European, 0.00017%; no homozygotes.

Submissions (5):

Myriad Genetics, Inc.
Classification: Benign for Neurofibromatosis, type 1. Last evaluated: 2026-09-29. Review status: criteria provided, single submitter. Criteria: Myriad Autosomal Dominant, Autosomal Recessive and X-Linked Classification Criteria (2023). Collection method: clinical testing. Allele origin: unknown.
Comment: This variant is considered benign. This variant is a silent/synonymous amino acid change and it is not expected to impact splicing.

Labcorp Genetics (formerly Invitae), Labcorp
Classification: Likely benign for Neurofibromatosis, type 1. Last evaluated: 2025-12-02. Review status: criteria provided, single submitter. Criteria: Invitae Variant Classification Sherloc (09022015). Collection method: clinical testing. Allele origin: germline.

Genome-Nilou Lab
Classification: Likely benign for Neurofibromatosis, type 1. Last evaluated: 2022-03-15. Review status: criteria provided, single submitter. Criteria: ACMG Guidelines, 2015. Collection method: clinical testing. Allele origin: germline. Affected: no.

GeneDx
Classification: Likely benign. Last evaluated: 2017-10-03. Review status: criteria provided, single submitter. Criteria: GeneDx Variant Classification (06012015). Collection method: clinical testing. Allele origin: germline. Affected: yes.
Comment: This variant is considered likely benign or benign based on one or more of the following criteria: it is a conservative change, it occurs at a poorly conserved position in the protein, it is predicted to be benign by multiple in silico algorithms, and/or has population frequency not consistent with disease.

Ambry Genetics
Classification: Likely benign for Hereditary cancer-predisposing syndrome. Last evaluated: 2015-03-16. Review status: criteria provided, single submitter. Criteria: Ambry Autosomal Dominant and X-Linked criteria (10/2015). Collection method: clinical testing. Allele origin: germline. Observed: 1 variant allele.